The following is an entry in ClinVar:

ClinVar aggregate classification (germline): Uncertain significance. Review status: criteria provided, multiple submitters, no conflicts (2 of 4 stars). 7 submissions from 7 submitters: Uncertain significance (7). Last evaluated 2026-01-28.

Conditions:
SDHAF2-related disorder. Also called: SDHAF2-related condition.
Hereditary cancer-predisposing syndrome. Also called: Neoplastic Syndromes, Hereditary; Hereditary neoplastic syndrome; Hereditary Cancer Syndrome; Tumor predisposition. Identifiers: Orphanet 140162, MedGen C0027672, MeSH D009386, MONDO:0015356.
Hereditary pheochromocytoma and paraganglioma. Also called: Hereditary Paraganglioma-Pheochromocytoma Syndromes; Hereditary pheochromocytoma-paraganglioma; Hereditary paragangliomas and pheochromocytomas. Identifiers: Orphanet 29072, MedGen C4274332, MONDO:0017366.
Pheochromocytoma/paraganglioma syndrome 2. Also called: GLOMUS TUMORS, FAMILIAL, 2; SDHAF2-Related Hereditary Paraganglioma-Pheochromocytoma Syndrome (Paragangliomas 2); SDHAF2-Related Hereditary Paraganglioma-Pheochromocytoma Syndrome; Paragangliomas 2. Identifiers: Orphanet 29072, MedGen C1866552, MONDO:0011121, OMIM 601650.

Allele frequency attached by ClinVar (database versions not stated): gnomAD exomes 0.00001 and 0.00003; ExAC 0.00003; TOPMed 0.00003; gnomAD 0.00005; ESP Exome Variant Server 0.00008.
gnomAD v4.1: 56 of 1,613,776 alleles (0.0035%); highest among the groups gnomAD compares: Non-Finnish European, 0.0043%; no homozygotes.

Submissions (7):

Labcorp Genetics (formerly Invitae), Labcorp
Classification: Uncertain significance for Hereditary pheochromocytoma and paraganglioma. Last evaluated: 2026-01-28. Review status: criteria provided, single submitter. Criteria: Invitae Variant Classification Sherloc (09022015). Collection method: clinical testing. Allele origin: germline.
Comment: This sequence change replaces leucine, which is neutral and non-polar, with serine, which is neutral and polar, at codon 80 of the SDHAF2 protein (p.Leu80Ser). This variant is present in population databases (rs376560419, gnomAD 0.004%). This variant has not been reported in the literature in individuals affected with SDHAF2-related conditions. ClinVar contains an entry for this variant (Variation ID: 241216). An algorithm developed to predict the effect of missense changes on protein structure and function (PolyPhen-2) suggests that this variant is likely to be disruptive. In summary, the available evidence is currently insufficient to determine the role of this variant in disease. Therefore, it has been classified as a Variant of Uncertain Significance.

PreventionGenetics, part of Exact Sciences
Classification: Uncertain significance for SDHAF2-related condition. Last evaluated: 2025-11-06. Review status: criteria provided, single submitter. Criteria: ACMG Guidelines, 2015. Collection method: clinical testing. Allele origin: germline.
Comment: The SDHAF2 c.239T>C variant is predicted to result in the amino acid substitution p.Leu80Ser. To our knowledge, this variant has not been reported in the literature. This variant is reported in 0.0040% of alleles in individuals of African descent in gnomAD and is classified as uncertain in ClinVar (Variation ID: 241216). At this time, the clinical significance of this variant is uncertain due to the absence of conclusive functional and genetic evidence.

St. Jude Molecular Pathology, St. Jude Children's Research Hospital
Classification: Uncertain significance for Pheochromocytoma/paraganglioma syndrome 2. Last evaluated: 2025-06-17. Review status: criteria provided, single submitter. Criteria: St. Jude Assertion Criteria 2020. Collection method: clinical testing. Allele origin: germline.
Comment: The SDHAF2 c.239T>C p.(Leu80Ser) missense change has a maximum subpopulation frequency of 0.004% in gnomAD v2.1.1. The in silico tool REVEL predicts a deleterious effect on protein function, but to our knowledge this prediction has not been confirmed by functional studies. To our knowledge, this variant has not been reported in individuals with SDHAF2-associated tumors. In summary, the evidence currently available is insufficient to determine the clinical significance of this variant. It has therefore been classified as of uncertain significance.

Ambry Genetics
Classification: Uncertain significance for Hereditary cancer-predisposing syndrome. Last evaluated: 2025-05-23. Review status: criteria provided, single submitter. Criteria: Ambry Variant Classification Scheme 2023. Collection method: clinical testing. Allele origin: germline.
Comment: The p.L80S variant (also known as c.239T>C), located in coding exon 2 of the SDHAF2 gene, results from a T to C substitution at nucleotide position 239. The leucine at codon 80 is replaced by serine, an amino acid with dissimilar properties. This amino acid position is highly conserved in available vertebrate species. In addition, this alteration is predicted to be deleterious by in silico analysis. Since supporting evidence is limited at this time, the clinical significance of this alteration remains unclear.

GeneDx
Classification: Uncertain significance. Last evaluated: 2024-08-19. Review status: criteria provided, single submitter. Criteria: GeneDx Variant Classification Process June 2021. Collection method: clinical testing. Allele origin: germline. Affected: yes.
Comment: Not observed at significant frequency in large population cohorts (gnomAD); In silico analysis supports that this missense variant has a deleterious effect on protein structure/function; Has not been previously published as pathogenic or benign to our knowledge; This variant is associated with the following publications: (PMID: 30552426)

Color Diagnostics, LLC DBA Color Health
Classification: Uncertain significance for Hereditary pheochromocytoma and paraganglioma. Last evaluated: 2024-05-08. Review status: criteria provided, single submitter. Criteria: ACMG Guidelines, 2015. Collection method: clinical testing. Allele origin: germline.
Comment: This missense variant replaces leucine with serine at codon 80 of the SDHAF2 protein. Computational prediction suggests that this variant may have deleterious impact on protein structure and function. To our knowledge, functional studies have not been reported for this variant. This variant has not been reported in individuals affected with SDHAF2-related disorders in the literature. This variant has been identified in 5/280588 chromosomes in the general population by the Genome Aggregation Database (gnomAD). The available evidence is insufficient to determine the role of this variant in disease conclusively. Therefore, this variant is classified as a Variant of Uncertain Significance.

Baylor Genetics
Classification: Uncertain significance for Pheochromocytoma/paraganglioma syndrome 2. Last evaluated: 2023-11-09. Review status: criteria provided, single submitter. Criteria: ACMG Guidelines, 2015. Collection method: clinical testing. Allele origin: unknown.

NM_017841.4(SDHAF2):c.239T>C (p.Leu80Ser)

Gene: SDHAF2 (succinate dehydrogenase complex assembly factor 2; plus strand). Cytogenetic location: 11q12.2.
Variant type: single nucleotide variant.
Coding change: c.239T>C on transcript NM_017841.4 (MANE Select); coding-DNA position 239, T replaced by C.
Protein change: p.Leu80Ser; replaces leucine 80 with serine.
Molecular consequence: missense variant.
Genome position (GRCh38, 1-based): chr11:61,437,827, T>C. VCF-style: chr11-61437827-T-C. GRCh37 (hg19) VCF-style: chr11-61205299-T-C.
Other names: short protein forms L80S.
Identifiers: ClinVar variation 241216 (VCV000241216.22), dbSNP rs376560419, ClinGen allele CA058046.
Genomic context (GRCh38, chr11:61,437,827, plus strand): 5'-ATGAATCCATAGAAACCAAAAGAGCCCGCCTGCTCTATGAGAGCAGAAAGAGGGGAATGT[T>C]GGAAAACTGCATTCTTCTTAGGTATGGGACTAGGAGTCTTTTTTTTTAAATCGGGCAGCT-3'
Protein context (NP_060311.1, residues 70-90): LLYESRKRGM[Leu80Ser]ENCILLSLFA